The following is an entry in ClinVar:

NM_080680.3(COL11A2):c.3055G>C (p.Glu1019Gln)

Gene: COL11A2 (collagen type XI alpha 2 chain; minus strand). Cytogenetic location: 6p21.32.
Variant type: single nucleotide variant.
Coding change: c.3055G>C on transcript NM_080680.3 (MANE Select); coding-DNA position 3055, G replaced by C.
Protein change: p.Glu1019Gln; replaces glutamic acid 1019 with glutamine.
Molecular consequence: missense variant.
Genome position (GRCh38, 1-based): chr6:33,171,808, C>G on the plus strand (G>C on the coding strand, the complement: COL11A2 is on the minus strand). VCF-style: chr6-33171808-C-G. GRCh37 (hg19) VCF-style: chr6-33139585-C-G.
Other names: c.2734G>C, p.Glu912Gln (NM_080679.3); c.2797G>C, p.Glu933Gln (NM_080681.3); short protein forms E1019Q, E912Q, E933Q.
Identifiers: ClinVar variation 1400808 (VCV001400808.8), dbSNP rs749200697, ClinGen allele CA363636573.
Genomic context (GRCh38, chr6:33,171,808, plus strand): 5'-CCTGCGGGCCTGGGCGCCCTGGCGGACCAATGGGTCCCCCTGATCCTGCTGCACCTCGTT[C>G]CCCAGGGGAGCCCTGAGAAAGCAGATGGTCAGACCCCCAGGAAGGAGACACCAGCCCGCC-3'
Protein context (NP_542411.2, residues 1009-1029): GPPGPAGSPG[Glu1019Gln]RGAAGSGGPI

ClinVar aggregate classification (germline): Uncertain significance (1 of 4 stars; one submission).

Submission:

Labcorp Genetics (formerly Invitae), Labcorp
Classification: Uncertain significance. Last evaluated: 2024-08-30. Review status: criteria provided, single submitter. Criteria: Invitae Variant Classification Sherloc (09022015). Collection method: clinical testing. Allele origin: germline.
Comment: This sequence change replaces glutamic acid, which is acidic and polar, with glutamine, which is neutral and polar, at codon 1019 of the COL11A2 protein (p.Glu1019Gln). This variant is not present in population databases (gnomAD no frequency). This variant has not been reported in the literature in individuals affected with COL11A2-related conditions. ClinVar contains an entry for this variant (Variation ID: 1400808). Invitae Evidence Modeling of protein sequence and biophysical properties (such as structural, functional, and spatial information, amino acid conservation, physicochemical variation, residue mobility, and thermodynamic stability) indicates that this missense variant is not expected to disrupt COL11A2 protein function with a negative predictive value of 95%. In summary, the available evidence is currently insufficient to determine the role of this variant in disease. Therefore, it has been classified as a Variant of Uncertain Significance.